The following is an entry in ClinVar:

ClinVar aggregate classification (germline): Uncertain significance (1 of 4 stars; one submission).

Submission:

Labcorp Genetics (formerly Invitae), Labcorp
Classification: Uncertain significance. Last evaluated: 2022-09-23. Review status: criteria provided, single submitter. Criteria: Invitae Variant Classification Sherloc (09022015). Collection method: clinical testing. Allele origin: germline.
Comment: In summary, the available evidence is currently insufficient to determine the role of this variant in disease. Therefore, it has been classified as a Variant of Uncertain Significance. Algorithms developed to predict the effect of missense changes on protein structure and function are either unavailable or do not agree on the potential impact of this missense change (SIFT: "Not Available"; PolyPhen-2: "Possibly Damaging"; Align-GVGD: "Not Available"). This variant has not been reported in the literature in individuals affected with DDX41-related conditions. This variant is not present in population databases (gnomAD no frequency). This sequence change replaces lysine, which is basic and polar, with glutamic acid, which is acidic and polar, at codon 597 of the DDX41 protein (p.Lys597Glu).

NM_016222.4(DDX41):c.1789A>G (p.Lys597Glu)

Gene: DDX41 (DEAD-box helicase 41; minus strand). Cytogenetic location: 5q35.3.
Variant type: single nucleotide variant.
Coding change: c.1789A>G on transcript NM_016222.4 (MANE Select); coding-DNA position 1789, A replaced by G.
Protein change: p.Lys597Glu; replaces lysine 597 with glutamic acid.
Molecular consequence: missense variant.
Genome position (GRCh38, 1-based): chr5:177,511,871, T>C on the plus strand (A>G on the coding strand, the complement: DDX41 is on the minus strand). VCF-style: chr5-177511871-T-C. GRCh37 (hg19) VCF-style: chr5-176938872-T-C.
Other names: c.1411A>G, p.Lys471Glu (NM_001321732.2, NM_001321830.2); short protein forms K471E, K597E.
Identifiers: ClinVar variation 1720235 (VCV001720235.5), dbSNP rs1167946851, ClinGen allele CA362371897.
Genomic context (GRCh38, chr5:177,511,871, plus strand): 5'-GGGCCAGGTAGTCCTTGCGACCGATGTTGCTGACCTGCTTGGTCTGCATAGCCTCGAGTT[T>C]GGGGCAGTCAGTGATCCGATGACCCAGGCCCCCGCAGAAGGCACAGCCGCGCTCTCCTGG-3'
Protein context (NP_057306.2, residues 587-607): GLGHRITDCP[Lys597Glu]LEAMQTKQVS